The following is an entry in ClinVar:

NM_201384.3(PLEC):c.887G>A (p.Arg296Gln)

Gene: PLEC (plectin; minus strand). Cytogenetic location: 8q24.3.
Variant type: single nucleotide variant.
Coding change: c.887G>A on transcript NM_201384.3 (MANE Select); coding-DNA position 887, G replaced by A.
Protein change: p.Arg296Gln; replaces arginine 296 with glutamine.
Molecular consequence: missense variant.
Genome position (GRCh38, 1-based): chr8:143,934,868, C>T on the plus strand (G>A on the coding strand, the complement: PLEC is on the minus strand). VCF-style: chr8-143934868-C-T. GRCh37 (hg19) VCF-style: chr8-145009036-C-T.
Other names: p.Arg282Gln; c.968G>A, p.Arg323Gln (NM_000445.5); c.845G>A, p.Arg282Gln (NM_201378.4); c.821G>A, p.Arg274Gln (NM_201379.3); c.1298G>A, p.Arg433Gln (NM_201380.4); c.791G>A, p.Arg264Gln (NM_201381.3); c.887G>A, p.Arg296Gln (NM_201382.4); c.899G>A, p.Arg300Gln (NM_201383.3); short protein forms R264Q, R274Q, R282Q, R296Q, R300Q, R323Q, R433Q.
Identifiers: ClinVar variation 129963 (VCV000129963.53), dbSNP rs138924815, ClinGen allele CA154681.

ClinVar aggregate classification (germline): Benign/Likely benign. Review status: criteria provided, multiple submitters, no conflicts (2 of 4 stars). 11 submissions from 11 submitters: Benign (10); Likely benign (1). Last evaluated 2026-09-01.

Conditions:
Autosomal recessive limb-girdle muscular dystrophy type 2Q (LGMDR17). Also called: MUSCULAR DYSTROPHY, LIMB-GIRDLE, AUTOSOMAL RECESSIVE 17. Identifiers: Orphanet 254361, MedGen C3150989, MONDO:0013390, OMIM 613723.
Epidermolysis bullosa simplex 5C, with pyloric atresia (EBS5C). Also called: PLEC-Related Epidermolysis Bullosa with Pyloric Atresia; Epidermolysis bullosa simplex with pyloric atresia; PLEC1-Related Epidermolysis Bullosa with Pyloric Atresia. Identifiers: Orphanet 158684, MedGen C2677349, MONDO:0012807, OMIM 612138.
Epidermolysis bullosa simplex, Ogna type (EBS5A). Also called: Pidermolysis bullosa simplex 5A, Ogna type; EPIDERMOLYSIS BULLOSA SIMPLEX 5A, OGNA TYPE. Identifiers: Orphanet 79401, MedGen C0432317, MONDO:0007555, OMIM 131950.
Epidermolysis bullosa simplex with nail dystrophy (EBS5D). Identifiers: MedGen C4225309, MONDO:0014661, OMIM 616487.
Epidermolysis bullosa simplex 5B, with muscular dystrophy (EBS5B). Also called: EPIDERMOLYSIS BULLOSA SIMPLEX AND LIMB-GIRDLE MUSCULAR DYSTROPHY; Epidermolysis bullosa simplex with muscular dystrophy. Identifiers: Orphanet 257, MedGen C2931072, MONDO:0009181, OMIM 226670.

Allele frequency attached by ClinVar (database versions not stated): 1000 Genomes Project 0.00399; 1000 Genomes Project 30x 0.00406; gnomAD 0.00931; TOPMed 0.01162; ExAC 0.01175; gnomAD exomes 0.01183 and 0.01473; ESP Exome Variant Server 0.01249.
gnomAD v4.1: 23,119 of 1,611,316 alleles (1.4%); highest among the groups gnomAD compares: Middle Eastern, 3.1%; 196 homozygotes.

Submissions (11):

CeGaT Center for Human Genetics Tuebingen
Classification: Benign. Last evaluated: 2026-09-01. Review status: criteria provided, single submitter. Criteria: CeGaT Center For Human Genetics Tuebingen Variant Classification Criteria Version 2. Collection method: clinical testing. Allele origin: germline. Affected: yes. Observed: 54 variant alleles.
Comment: PLEC: BP4, BS1, BS2

Labcorp Genetics (formerly Invitae), Labcorp
Classification: Benign for Autosomal recessive limb-girdle muscular dystrophy type 2Q; Epidermolysis bullosa simplex, Ogna type; Epidermolysis bullosa simplex with nail dystrophy; Epidermolysis bullosa simplex 5C, with pyloric atresia; Epidermolysis bullosa simplex 5B, with muscular dystrophy. Last evaluated: 2026-02-02. Review status: criteria provided, single submitter. Criteria: Invitae Variant Classification Sherloc (09022015). Collection method: clinical testing. Allele origin: germline.

Blueprint Genetics
Classification: Likely benign. Last evaluated: 2024-11-27. Review status: criteria provided, single submitter. Criteria: ACMG Guidelines, 2015. Collection method: clinical testing. Allele origin: germline.

Athena Diagnostics
Classification: Benign. Last evaluated: 2024-05-14. Review status: criteria provided, single submitter. Criteria: Athena Diagnostics Criteria. Collection method: clinical testing. Allele origin: unknown.

Mendelics
Classification: Benign for Epidermolysis bullosa simplex 5B, with muscular dystrophy. Last evaluated: 2019-05-28. Review status: criteria provided, single submitter. Criteria: Mendelics Assertion Criteria 2017. Collection method: clinical testing. Allele origin: unknown.

Mayo Clinic Laboratories, Mayo Clinic
Classification: Benign. Last evaluated: 2017-12-05. Review status: criteria provided, single submitter. Criteria: ACMG Guidelines, 2015. Collection method: clinical testing. Allele origin: germline. Observed: 45 variant alleles.

GeneDx
Classification: Benign. Last evaluated: 2016-10-07. Review status: criteria provided, single submitter. Criteria: GeneDx Variant Classification (06012015). Collection method: clinical testing. Allele origin: germline. Affected: yes.
Comment: This variant is considered likely benign or benign based on one or more of the following criteria: it is a conservative change, it occurs at a poorly conserved position in the protein, it is predicted to be benign by multiple in silico algorithms, and/or has population frequency not consistent with disease.

Eurofins Ntd Llc (ga)
Classification: Benign. Last evaluated: 2014-10-27. Review status: criteria provided, single submitter. Criteria: EGL Classification Definitions 2015. Collection method: clinical testing. Allele origin: germline. Observed: 1 variant allele, 1 heterozygote.

Genetic Services Laboratory, University of Chicago
Classification: Benign for AllHighlyPenetrant. Last evaluated: 2013-08-22. Review status: criteria provided, single submitter. Criteria: ACMG Guidelines, 2007. Collection method: clinical testing. Allele origin: germline. Inheritance: Autosomal recessive inheritance.

Breakthrough Genomics
Classification: Benign. Review status: criteria provided, single submitter. Criteria: ACMG Guidelines, 2015. Collection method: not provided. Allele origin: germline. Inheritance: Autosomal recessive inheritance. Affected: yes.

Broad Center for Mendelian Genomics, Broad Institute of MIT and Harvard
Classification: Benign for Epidermolysis bullosa simplex, Ogna type. Review status: criteria provided, single submitter. Criteria: ACMG Guidelines, 2015. Collection method: research. Allele origin: germline. Inheritance: Autosomal recessive inheritance. Affected: yes.
Comment: The heterozygous p.Arg323Gln variant in PLEC has been identified in the compound heterozygous state in 2 siblings from 1 family with muscular dystrophy with epidermolysis bullosa (PMID: 20016501). This variant has also been identified in >1% of European (non-Finnish) chromosomes and 19 homozygotes by ExAC. In summary, this variant meets criteria to be classified as benign for autosomal recessive muscular dystrophy with epidermolysis bullosa.

Literature cited by the submitters: PubMed 29334134 (cited by Athena Diagnostics); PubMed 20016501 (cited by Athena Diagnostics).